The following is an entry in ClinVar:

ClinVar aggregate classification (germline): Uncertain significance. Review status: criteria provided, multiple submitters, no conflicts (2 of 4 stars). 2 submissions from 2 submitters: Uncertain significance (2). Last evaluated 2023-12-24.

Conditions:
Primary hypomagnesemia (HOMG3). Also called: HYPOMAGNESEMIA, FAMILIAL, WITH HYPERCALCIURIA AND NEPHROCALCINOSIS; HYPOMAGNESEMIA, ISOLATED RENAL; HYPOMAGNESEMIA, PRIMARY, DUE TO DEFECT IN RENAL TUBULAR TRANSPORT OF MAGNESIUM; HYPOMAGNESEMIA 3, RENAL. Identifiers: Orphanet 31043, MedGen C0268448, MONDO:0009550, OMIM 248250.

Allele frequency attached by ClinVar (database versions not stated): gnomAD exomes below 0.00001 and 0.00001; gnomAD 0.00001; ExAC 0.00002; TOPMed 0.00002.
gnomAD v4.1: 9 of 1,613,936 alleles (0.00056%); highest among the groups gnomAD compares: African/African-American, 0.0013%; no homozygotes.

Submissions (2):

Fulgent Genetics
Classification: Uncertain significance for Primary hypomagnesemia. Last evaluated: 2023-12-24. Review status: criteria provided, single submitter. Criteria: ACMG Guidelines, 2015. Collection method: clinical testing. Allele origin: germline.

Labcorp Genetics (formerly Invitae), Labcorp
Classification: Uncertain significance. Last evaluated: 2020-10-16. Review status: criteria provided, single submitter. Criteria: Invitae Variant Classification Sherloc (09022015). Collection method: clinical testing. Allele origin: germline.
Comment: In summary, the available evidence is currently insufficient to determine the role of this variant in disease. Therefore, it has been classified as a Variant of Uncertain Significance. Algorithms developed to predict the effect of missense changes on protein structure and function are either unavailable or do not agree on the potential impact of this missense change (SIFT: "Deleterious"; PolyPhen-2: "Benign"; Align-GVGD: "Class C25"). This variant has not been reported in the literature in individuals with CLDN16-related conditions. This variant is present in population databases (rs771742472, ExAC 0.004%). This sequence change replaces isoleucine with threonine at codon 91 of the CLDN16 protein (p.Ile91Thr). The isoleucine residue is moderately conserved and there is a moderate physicochemical difference between isoleucine and threonine.

NM_006580.4(CLDN16):c.62T>C (p.Ile21Thr)

Gene: CLDN16 (claudin 16; plus strand). Cytogenetic location: 3q28.
Variant type: single nucleotide variant.
Coding change: c.62T>C on transcript NM_006580.4 (MANE Select); coding-DNA position 62, T replaced by C.
Protein change: p.Ile21Thr; replaces isoleucine 21 with threonine.
Molecular consequence: missense variant.
Genome position (GRCh38, 1-based): chr3:190,388,391, T>C. VCF-style: chr3-190388391-T-C. GRCh37 (hg19) VCF-style: chr3-190106180-T-C.
Other names: c.62T>C, p.Ile21Thr (NM_001378492.1, NM_001378493.1); short protein forms I21T.
Identifiers: ClinVar variation 1025771 (VCV001025771.4), dbSNP rs771742472, ClinGen allele CA2753736.
Genomic context (GRCh38, chr3:190,388,391, plus strand): 5'-TGAGGGATCTTCTTCAATACATCGCTTGCTTCTTTGCCTTTTTCTCTGCTGGGTTTTTGA[T>C]TGTGGCCACCTGGACTGACTGTTGGATGGTGAATGCTGATGACTCTCTGGAGGTAAGAAG-3'
Protein context (NP_006571.2, residues 11-31): FFAFFSAGFL[Ile21Thr]VATWTDCWMV